The following is an entry in ClinVar:

NM_003664.5(AP3B1):c.2112C>T (p.Gly704=)

Gene: AP3B1 (adaptor related protein complex 3 subunit beta 1; minus strand). Cytogenetic location: 5q14.1.
Variant type: single nucleotide variant.
Coding change: c.2112C>T on transcript NM_003664.5 (MANE Select); coding-DNA position 2112, C replaced by T.
Protein change: p.Gly704=; no amino-acid change (glycine 704 retained).
Molecular consequence: synonymous variant.
Genome position (GRCh38, 1-based): chr5:78,113,889, G>A on the plus strand (C>T on the coding strand, the complement: AP3B1 is on the minus strand). VCF-style: chr5-78113889-G-A. GRCh37 (hg19) VCF-style: chr5-77409713-G-A.
Other names: p.Gly704=; c.1965C>T, p.Gly655= (NM_001271769.2).
Identifiers: ClinVar variation 533472 (VCV000533472.26), dbSNP rs35976098, ClinGen allele CA3316843.
Genomic context (GRCh38, chr5:78,113,889, plus strand): 5'-CTGCTCACTGGAGGAGTCCTCACTGCTGTCCTCATTGCTGTCTCCTTCCTCCCCACTTTC[G>A]CCTTGTTCTCCACTTTCACTTCCAGATTCACTCTCTGAAAAACAGAACCAGATGTTCTTA-3'
Protein context (NP_003655.3, residues 694-714): SESGSESGEQ[Gly704=]ESGEEGDSNE

ClinVar aggregate classification (germline): Conflicting classifications of pathogenicity. Review status: criteria provided, conflicting classifications (1 of 4 stars). 6 submissions from 6 submitters: Uncertain significance (1); Benign (1); Likely benign (3). 1 of the submissions does not count toward it. Last evaluated 2026-01-22.

Conditions:
AP3B1-related disorder. Also called: AP3B1-related condition.
Hermansky-Pudlak syndrome 2 (HPS2). Also called: Platelet defects and oculocutaneous albinism. Identifiers: Orphanet 183678, Orphanet 79430, MedGen C1842362, MONDO:0011997, OMIM 608233.
Autoinflammatory syndrome. Identifiers: Orphanet 93665, MedGen C3890737, MONDO:0019751.

Allele frequency attached by ClinVar (database versions not stated): ExAC 0.00058; 1000 Genomes Project 0.00180; 1000 Genomes Project 30x 0.00187; TOPMed 0.00195; ESP Exome Variant Server 0.00223.
gnomAD v4.1: 621 of 1,613,960 alleles (0.038%); highest among the groups gnomAD compares: African/African-American, 0.72%; 1 homozygote.

Submissions (6):

Labcorp Genetics (formerly Invitae), Labcorp
Classification: Benign for Hermansky-Pudlak syndrome 2. Last evaluated: 2026-01-22. Review status: criteria provided, single submitter. Criteria: Invitae Variant Classification Sherloc (09022015). Collection method: clinical testing. Allele origin: germline.

Mayo Clinic Laboratories, Mayo Clinic
Classification: Likely benign. Last evaluated: 2025-04-25. Review status: criteria provided, single submitter. Criteria: ACMG Guidelines, 2015. Collection method: clinical testing. Allele origin: germline. Observed: 7 variant alleles.
Comment: BS1, BP4, BP7

CeGaT Center for Human Genetics Tuebingen
Classification: Likely benign. Last evaluated: 2025-03-01. Review status: criteria provided, single submitter. Criteria: CeGaT Center For Human Genetics Tuebingen Variant Classification Criteria Version 2. Collection method: clinical testing. Allele origin: germline. Affected: yes. Observed: 1 variant allele.
Comment: AP3B1: BP4, BP7

Blueprint Genetics
Classification: Likely benign. Last evaluated: 2024-11-19. Review status: criteria provided, single submitter. Criteria: ACMG Guidelines, 2015. Collection method: clinical testing. Allele origin: germline.

Genome Diagnostics Laboratory, The Hospital for Sick Children
Classification: Uncertain significance for Autoinflammatory syndrome. Last evaluated: 2018-02-02. Review status: criteria provided, single submitter. Criteria: ACMG Guidelines, 2015. Collection method: clinical testing. Allele origin: germline. Affected: yes.

PreventionGenetics, part of Exact Sciences
Classification: Likely benign for AP3B1-related condition. Last evaluated: 2020-03-02. Review status: no assertion criteria provided. Collection method: clinical testing. Allele origin: germline. Not counted in ClinVar's aggregate classification.
Comment: This variant is classified as likely benign based on ACMG/AMP sequence variant interpretation guidelines (Richards et al. 2015 PMID: 25741868, with internal and published modifications).